The following is an entry in ClinVar:

ClinVar aggregate classification (germline): Uncertain significance (1 of 4 stars; one submission).

Conditions:
Adams-Oliver syndrome 5 (AOS5). Identifiers: Orphanet 974, MedGen C4014970, MONDO:0014459, OMIM 616028.

gnomAD v4.1: 2 of 1,612,438 alleles (0.00012%); highest among the groups gnomAD compares: African/African-American, 0.0013%; no homozygotes.

Submission:

Labcorp Genetics (formerly Invitae), Labcorp
Classification: Uncertain significance for Adams-Oliver syndrome 5. Last evaluated: 2025-11-21. Review status: criteria provided, single submitter. Criteria: Invitae Variant Classification Sherloc (09022015). Collection method: clinical testing. Allele origin: germline.
Comment: This sequence change replaces serine, which is neutral and polar, with proline, which is neutral and non-polar, at codon 1776 of the NOTCH1 protein (p.Ser1776Pro). This variant is not present in population databases (gnomAD no frequency). This variant has not been reported in the literature in individuals affected with NOTCH1-related conditions. Invitae Evidence Modeling of protein sequence and biophysical properties (such as structural, functional, and spatial information, amino acid conservation, physicochemical variation, residue mobility, and thermodynamic stability) indicates that this missense variant is not expected to disrupt NOTCH1 protein function with a negative predictive value of 80%. In summary, the available evidence is currently insufficient to determine the role of this variant in disease. Therefore, it has been classified as a Variant of Uncertain Significance.

NM_017617.5(NOTCH1):c.5326T>C (p.Ser1776Pro)

Gene: NOTCH1 (notch receptor 1; minus strand). Cytogenetic location: 9q34.3.
Variant type: single nucleotide variant.
Coding change: c.5326T>C on transcript NM_017617.5 (MANE Select); coding-DNA position 5326, T replaced by C.
Protein change: p.Ser1776Pro; replaces serine 1776 with proline.
Molecular consequence: missense variant.
Genome position (GRCh38, 1-based): chr9:136,502,330, A>G on the plus strand (T>C on the coding strand, the complement: NOTCH1 is on the minus strand). VCF-style: chr9-136502330-A-G. GRCh37 (hg19) VCF-style: chr9-139396782-A-G.
Other names: short protein forms S1776P.
Identifiers: ClinVar variation 4755041 (VCV004755041.1).